The following is an entry in ClinVar:

NM_001367534.1(CAMK2G):c.1210G>T (p.Glu404Ter)

Gene: CAMK2G (calcium/calmodulin dependent protein kinase II gamma; minus strand). Cytogenetic location: 10q22.2.
Variant type: single nucleotide variant.
Coding change: c.1210G>T on transcript NM_001367534.1 (MANE Select); coding-DNA position 1210, G replaced by T.
Protein change: p.Glu404Ter; replaces glutamic acid 404 with a stop codon.
Molecular consequence: nonsense. On other transcripts: non-coding transcript variant (8).
Genome position (GRCh38, 1-based): chr10:73,821,721, C>A on the plus strand (G>T on the coding strand, the complement: CAMK2G is on the minus strand). VCF-style: chr10-73821721-C-A. GRCh37 (hg19) VCF-style: chr10-75581479-C-A.
Other names: c.1177G>T, p.Glu393Ter (NM_001204492.2, NM_001367521.1, NM_001367544.1); c.1045G>T, p.Glu349Ter (NM_001222.4, NM_001367528.1, NM_001367541.1 and 1 more transcripts); c.1141G>T, p.Glu381Ter (NM_001320898.2, NM_001367523.1, NM_001367546.1 and 2 more transcripts); c.1090G>T, p.Glu364Ter (NM_001367514.1, NM_001367525.1, NM_001367532.1); c.1114G>T, p.Glu372Ter (NM_001367516.1, NM_001367517.1, NM_001367526.1 and 4 more transcripts); c.1078G>T, p.Glu360Ter (NM_001367518.1, NM_001367519.1, NM_001367522.1 and 1 more transcripts); c.1072G>T, p.Glu358Ter (NM_001367520.1, NM_001367533.1, NM_172173.3); c.895G>T, p.Glu299Ter (NM_001367524.1); and 9 more; short protein forms E127*, E142*, E245*, E290*, E299*, E349*, E358*, E360*.
Identifiers: ClinVar variation 3029340 (VCV003029340.2), dbSNP rs2547960908, ClinGen allele CA377300199.

ClinVar aggregate classification (germline): Uncertain significance (0 of 4 stars; one submission).

Conditions:
CAMK2G-related disorder. Also called: CAMK2G-related condition.

Submission:

PreventionGenetics, part of Exact Sciences
Classification: Uncertain significance for CAMK2G-related condition. Last evaluated: 2024-01-18. Review status: no assertion criteria provided. Collection method: clinical testing. Allele origin: germline.
Comment: The CAMK2G c.1141G>T variant is predicted to result in premature protein termination (p.Glu381*). To our knowledge, this variant has not been reported in the literature or in a large population database, indicating this variant is rare. Of note, loss of function variants have not commonly been reported in the CAMK2G gene. At this time, the clinical significance of this variant is uncertain due to the absence of conclusive functional and genetic evidence.